The following is an entry in ClinVar:

NM_017617.5(NOTCH1):c.6343G>A (p.Glu2115Lys)

Gene: NOTCH1 (notch receptor 1; minus strand). Cytogenetic location: 9q34.3.
Variant type: single nucleotide variant.
Coding change: c.6343G>A on transcript NM_017617.5 (MANE Select); coding-DNA position 6343, G replaced by A.
Protein change: p.Glu2115Lys; replaces glutamic acid 2115 with lysine.
Molecular consequence: missense variant.
Genome position (GRCh38, 1-based): chr9:136,497,396, C>T on the plus strand (G>A on the coding strand, the complement: NOTCH1 is on the minus strand). VCF-style: chr9-136497396-C-T. GRCh37 (hg19) VCF-style: chr9-139391848-C-T.
Other names: c.6343G>A, p.Glu2115Lys (LRG_1122t1); short protein forms E2115K.
Identifiers: ClinVar variation 544169 (VCV000544169.8), dbSNP rs777219891, ClinGen allele CA375631942.

ClinVar aggregate classification (germline): Uncertain significance. Review status: criteria provided, multiple submitters, no conflicts (2 of 4 stars). 2 submissions from 2 submitters: Uncertain significance (2). Last evaluated 2025-11-17.

Conditions:
Adams-Oliver syndrome 5 (AOS5). Identifiers: Orphanet 974, MedGen C4014970, MONDO:0014459, OMIM 616028.
Familial thoracic aortic aneurysm and aortic dissection (TAAD). Also called: Thoracic aortic aneurysms and dissections. Identifiers: Orphanet 91387, MedGen C4707243, MONDO:0019625.

Allele frequency attached by ClinVar (database versions not stated): gnomAD 0.00001; TOPMed 0.00002.
gnomAD v4.1: 28 of 1,610,376 alleles (0.0017%); highest among the groups gnomAD compares: Non-Finnish European, 0.0022%; no homozygotes.

Submissions (2):

Labcorp Genetics (formerly Invitae), Labcorp
Classification: Uncertain significance for Adams-Oliver syndrome 5. Last evaluated: 2025-11-17. Review status: criteria provided, single submitter. Criteria: Invitae Variant Classification Sherloc (09022015). Collection method: clinical testing. Allele origin: germline.
Comment: This sequence change replaces glutamic acid, which is acidic and polar, with lysine, which is basic and polar, at codon 2115 of the NOTCH1 protein (p.Glu2115Lys). This variant is not present in population databases (gnomAD no frequency). This variant has not been reported in the literature in individuals affected with NOTCH1-related conditions. ClinVar contains an entry for this variant (Variation ID: 544169). Invitae Evidence Modeling of protein sequence and biophysical properties (such as structural, functional, and spatial information, amino acid conservation, physicochemical variation, residue mobility, and thermodynamic stability) indicates that this missense variant is not expected to disrupt NOTCH1 protein function with a negative predictive value of 80%. In summary, the available evidence is currently insufficient to determine the role of this variant in disease. Therefore, it has been classified as a Variant of Uncertain Significance.

Ambry Genetics
Classification: Uncertain significance for Familial thoracic aortic aneurysm and aortic dissection. Last evaluated: 2024-04-07. Review status: criteria provided, single submitter. Criteria: Ambry Variant Classification Scheme 2023. Collection method: clinical testing. Allele origin: germline.
Comment: The p.E2115K variant (also known as c.6343G>A), located in coding exon 34 of the NOTCH1 gene, results from a G to A substitution at nucleotide position 6343. The glutamic acid at codon 2115 is replaced by lysine, an amino acid with similar properties. This amino acid position is conserved. In addition, this alteration is predicted to be tolerated by in silico analysis. Based on the available evidence, the clinical significance of this variant remains unclear.